The following is an entry in ClinVar:

ClinVar aggregate classification (germline): Pathogenic. Review status: criteria provided, multiple submitters, no conflicts (2 of 4 stars). 5 submissions from 5 submitters: Pathogenic (5). Last evaluated 2026-04-14.

Conditions:
Familial intrahepatic cholestasis. Identifiers: Orphanet 284385, MedGen CN296401, MONDO:0017290.
Progressive familial intrahepatic cholestasis type 2. Identifiers: Orphanet 79304, MedGen C3489789, MONDO:0011156, OMIM 601847.
Benign recurrent intrahepatic cholestasis type 2 (BRIC2). Also called: Recurrent familial intrahepatic cholestasis 2. Identifiers: Orphanet 65682, Orphanet 99961, MedGen C2608083, MONDO:0011559, OMIM 605479.

Allele frequency attached by ClinVar (database versions not stated): gnomAD exomes below 0.00001.

Submissions (5):

Genomenon, Inc
Classification: Pathogenic for Familial intrahepatic cholestasis. Last evaluated: 2026-04-14. Review status: criteria provided, single submitter. Criteria: Genomenon Sequence Variant Interpretation Standards - Updated. Collection method: curation. Allele origin: germline. Affected: yes.
Comment: ABCB11 p.Val1164GlyfsTer7 (c.3491del) is a frameshift variant that results in the production of a truncated protein which is predicted to undergo nonsense-mediated mRNA decay. This variant has been observed in at least one proband with an ABCB11-related disorder (PMID:37361697;36995996;29404523;18395098). It is absent or not present at a significant frequency in gnomAD. In conclusion, we classify ABCB11 p.Val1164GlyfsTer7 (c.3491del) as a pathogenic variant.

Labcorp Genetics (formerly Invitae), Labcorp
Classification: Pathogenic. Last evaluated: 2026-01-27. Review status: criteria provided, single submitter. Criteria: Invitae Variant Classification Sherloc (09022015). Collection method: clinical testing. Allele origin: germline.
Comment: This sequence change creates a premature translational stop signal (p.Val1164Glyfs*7) in the ABCB11 gene. It is expected to result in an absent or disrupted protein product. Loss-of-function variants in ABCB11 are known to be pathogenic (PMID: 18395098, 20232290). This variant is not present in population databases (gnomAD no frequency). This premature translational stop signal has been observed in individual(s) with cholestasis (PMID: 18395098, 29404523). ClinVar contains an entry for this variant (Variation ID: 1076790). For these reasons, this variant has been classified as Pathogenic.

Broad Center for Mendelian Genomics, Broad Institute of MIT and Harvard
Classification: Pathogenic for Progressive familial intrahepatic cholestasis type 2. Last evaluated: 2025-01-23. Review status: criteria provided, single submitter. Criteria: ACMG Guidelines, 2015. Collection method: curation. Allele origin: germline. Inheritance: Autosomal recessive inheritance.
Comment: The p.Val1164GlyfsTer7 variant in ABCB11 has been reported in 2 individuals with BSEP deficiency (PMID: 18395098, 34016879) and has been identified in 0.0005% (6/1111776) of European (non-Finnish) chromosomes by the Genome Aggregation Database (gnomAD; dbSNP rs755647308). Although this variant has been seen in the general population in a heterozygous state, its frequency is low enough to be consistent with a recessive carrier frequency. This variant has also been reported in ClinVar (Variation ID: 1076790) and has been interpreted as pathogenic by Invitae and Baylor Genetics. Of the 2 affected individuals, 1 of those was a compound heterozygote that carried a reported pathogenic variant in trans, which increases the likelihood that the p.Val1164GlyfsTer7 variant is pathogenic (PMID: 18395098, Variation ID: 6590). This variant is predicted to cause a frameshift, which alters the protein‚Äôs amino acid sequence beginning at position 1164 and leads to a premature termination codon 7 amino acids downstream. This alteration is then predicted to lead to a truncated or absent protein. Loss of function of the ABCB11 gene is an established disease mechanism in autosomal recessive BSEP deficiency. In summary, this variant meets criteria to be classified as pathogenic for autosomal recessive BSEP deficiency. ACMG/AMP criteria applied: PVS1, PM3, PM2_supporting (Richards 2015).

Natera, Inc.
Classification: Pathogenic for Progressive familial intrahepatic cholestasis type 2. Last evaluated: 2024-10-28. Review status: criteria provided, single submitter. Criteria: Natera Variant Classification Schema (03/2026). Collection method: clinical testing. Allele origin: germline.
Comment: The c.3491del variant in ABCB11 is a frameshift variant predicted to shift the reading frame beginning at codon 1164 and leads to a stop codon 7 codons downstream. This variant is expected to result in nonsense mediated decay, truncation, or a dysfunctional protein product. This variant is rare in the general population with a frequency below the threshold expected for the associated phenotype(s). This variant has been observed in one or more individuals affected with the associated recessive disease, as either homozygous or compound heterozygous with a second variant (PMID: 18395098). Given the available evidence, this variant is classified as Pathogenic.

Baylor Genetics
Classification: Pathogenic for Benign recurrent intrahepatic cholestasis type 2. Last evaluated: 2023-10-14. Review status: criteria provided, single submitter. Criteria: ACMG Guidelines, 2015. Collection method: clinical testing. Allele origin: unknown.

Literature cited by the submitters: PubMed 37361697 (cited by Genomenon, Inc); PubMed 36995996 (cited by Genomenon, Inc); PubMed 29404523 (cited by Genomenon, Inc and Labcorp Genetics (formerly Invitae), Labcorp); PubMed 18395098 (cited by 3 submitters); PubMed 20232290 (cited by Labcorp Genetics (formerly Invitae), Labcorp).

NM_003742.4(ABCB11):c.3491del (p.Val1164fs)

Gene: ABCB11 (ATP binding cassette subfamily B member 11; minus strand). Cytogenetic location: 2q31.1.
Variant type: Deletion.
Coding change: c.3491del on transcript NM_003742.4 (MANE Select); coding-DNA position 3491, one base deleted (T; older notation c.3491delT).
Protein change: p.Val1164fs; shifts the reading frame from valine 1164.
Molecular consequence: frameshift variant.
Genome position (GRCh38, 1-based): chr2:168,927,283, A deleted on the plus strand (T on the coding strand, the reverse complement: ABCB11 is on the minus strand). VCF-style (leftmost placement, unchanged base first): chr2-168927282-CA-C. GRCh37 (hg19) VCF-style: chr2-169783792-CA-C.
Other names: NM_003742.4(ABCB11):c.3491del; p.Val1164fs; short protein forms V1164fs.
Identifiers: ClinVar variation 1076790 (VCV001076790.13), dbSNP rs755647308, ClinGen allele CA59870152.